The following is an entry in ClinVar:

ClinVar aggregate classification (germline): Likely benign. Review status: criteria provided, multiple submitters, no conflicts (2 of 4 stars). 2 submissions from 2 submitters: Likely benign (2). Last evaluated 2022-08-01.

Conditions:
Fanconi anemia (FA). Also called: Fanconi's anemia. Identifiers: Orphanet 84, MedGen C0015625, MeSH D005199, MONDO:0019391.

Submissions (2):

CeGaT Center for Human Genetics Tuebingen
Classification: Likely benign. Last evaluated: 2022-08-01. Review status: criteria provided, single submitter. Criteria: CeGaT Center For Human Genetics Tuebingen Variant Classification Criteria Version 2. Collection method: clinical testing. Allele origin: germline. Affected: yes. Observed: 1 variant allele.
Comment: SLX4: PM2:Supporting, BP4, BP7

Labcorp Genetics (formerly Invitae), Labcorp
Classification: Likely benign for Fanconi anemia. Last evaluated: 2019-11-06. Review status: criteria provided, single submitter. Criteria: Invitae Variant Classification Sherloc (09022015). Collection method: clinical testing. Allele origin: germline.

NM_032444.4(SLX4):c.60G>A (p.Leu20=)

Gene: SLX4 (SLX4 structure-specific endonuclease subunit; minus strand). Cytogenetic location: 16p13.3.
Variant type: single nucleotide variant.
Coding change: c.60G>A on transcript NM_032444.4 (MANE Select); coding-DNA position 60, G replaced by A.
Protein change: p.Leu20=; no amino-acid change (leucine 20 retained).
Molecular consequence: synonymous variant.
Genome position (GRCh38, 1-based): chr16:3,608,905, C>T on the plus strand (G>A on the coding strand, the complement: SLX4 is on the minus strand). VCF-style: chr16-3608905-C-T. GRCh37 (hg19) VCF-style: chr16-3658906-C-T.
Identifiers: ClinVar variation 1095632 (VCV001095632.32), dbSNP rs200430973, ClinGen allele CA276971378.
Genomic context (GRCh38, chr16:3,608,905, plus strand): 5'-AGTTTTAAGGCTTTCAGGCTGGTCTTCAGAGGAGCGAGGGTCAATCCCAGGACAGGCAGA[C>T]AGATGAGAAAGTGAACCCAAGTAGAAGCCTAGCTGAGCCTCATTCACACTCAGTTTCATT-3'
Protein context (NP_115820.2, residues 10-30): LGFYLGSLSH[Leu20=]SACPGIDPRS